The following is an entry in ClinVar:

NM_001370466.1(NOD2):c.295C>T (p.His99Tyr)

Gene: NOD2 (nucleotide binding oligomerization domain containing 2; plus strand). Cytogenetic location: 16q12.1.
Variant type: single nucleotide variant.
Coding change: c.295C>T on transcript NM_001370466.1 (MANE Select); coding-DNA position 295, C replaced by T.
Protein change: p.His99Tyr; replaces histidine 99 with tyrosine.
Molecular consequence: missense variant. On other transcripts: non-coding transcript variant (1).
Genome position (GRCh38, 1-based): chr16:50,699,790, C>T. VCF-style: chr16-50699790-C-T. GRCh37 (hg19) VCF-style: chr16-50733701-C-T.
Other names: c.295C>T, p.His99Tyr (NM_001293557.2); c.376C>T, p.His126Tyr (NM_022162.3); short protein forms H99Y, H126Y.
Identifiers: ClinVar variation 4792232 (VCV004792232.1).

ClinVar aggregate classification (germline): Uncertain significance (1 of 4 stars; one submission).

Conditions:
Regional enteritis. Also called: Enteritis, Granulomatous. Identifiers: MedGen C0678202, MeSH D003424.
Blau syndrome (BLAUS). Also called: ARTHROCUTANEOUVEAL GRANULOMATOSIS; GRANULOMATOSIS, FAMILIAL JUVENILE SYSTEMIC; GRANULOMATOSIS, FAMILIAL, BLAU TYPE; GRANULOMATOUS INFLAMMATORY ARTHRITIS, DERMATITIS, AND UVEITIS, FAMILIAL; JABS SYNDROME. Identifiers: Orphanet 90340, MedGen C5201146, MONDO:0008523, OMIM 186580.

gnomAD v4.1: 8 of 1,613,806 alleles (0.0005%); highest among the groups gnomAD compares: Non-Finnish European, 0.00059%; no homozygotes.

Submission:

Labcorp Genetics (formerly Invitae), Labcorp
Classification: Uncertain significance for Regional enteritis; Blau syndrome. Last evaluated: 2025-07-21. Review status: criteria provided, single submitter. Criteria: Invitae Variant Classification Sherloc (09022015). Collection method: clinical testing. Allele origin: germline.
Comment: This sequence change replaces histidine, which is basic and polar, with tyrosine, which is neutral and polar, at codon 126 of the NOD2 protein (p.His126Tyr). This variant is present in population databases (no rsID available, gnomAD 0.0009%). This variant has not been reported in the literature in individuals affected with NOD2-related conditions. Invitae Evidence Modeling of protein sequence and biophysical properties (such as structural, functional, and spatial information, amino acid conservation, physicochemical variation, residue mobility, and thermodynamic stability) indicates that this missense variant is not expected to disrupt NOD2 protein function with a negative predictive value of 95%. In summary, the available evidence is currently insufficient to determine the role of this variant in disease. Therefore, it has been classified as a Variant of Uncertain Significance.